The following is an entry in ClinVar:

ClinVar aggregate classification (germline): Pathogenic. Review status: criteria provided, multiple submitters, no conflicts (2 of 4 stars). 2 submissions from 2 submitters: Pathogenic (2). Last evaluated 2023-08-17.

Conditions:
Chondrodysplasia punctata 2 X-linked dominant (CDPX2). Also called: HAPPLE SYNDROME; EBP-Related X-Linked Chondrodysplasia Punctata; CONRADI-HUNERMANN-HAPPLE SYNDROME; Hunermann-Conradi Syndrome. Identifiers: Orphanet 35173, MedGen C0282102, MONDO:0020603, OMIM 302960.

Submissions (2):

Labcorp Genetics (formerly Invitae), Labcorp
Classification: Pathogenic. Last evaluated: 2023-08-17. Review status: criteria provided, single submitter. Criteria: Invitae Variant Classification Sherloc (09022015). Collection method: clinical testing. Allele origin: germline.
Comment: For these reasons, this variant has been classified as Pathogenic. Algorithms developed to predict the effect of sequence changes on RNA splicing suggest that this variant may disrupt the consensus splice site. ClinVar contains an entry for this variant (Variation ID: 803990). This variant has not been reported in the literature in individuals affected with EBP-related conditions. This variant is not present in population databases (gnomAD no frequency). This sequence change creates a premature translational stop signal (p.Tyr87*) in the EBP gene. It is expected to result in an absent or disrupted protein product. Loss-of-function variants in EBP are known to be pathogenic (PMID: 10391218).

Mendelics
Classification: Pathogenic for Chondrodysplasia punctata 2 X-linked dominant. Last evaluated: 2019-05-28. Review status: criteria provided, single submitter. Criteria: Mendelics Assertion Criteria 2017. Collection method: clinical testing. Allele origin: unknown.

Literature cited by the submitters: PubMed 10391218 (cited by Labcorp Genetics (formerly Invitae), Labcorp).

NM_006579.3(EBP):c.261C>G (p.Tyr87Ter)

Gene: EBP (EBP cholestenol delta-isomerase; plus strand). Cytogenetic location: Xp11.23.
Variant type: single nucleotide variant.
Coding change: c.261C>G on transcript NM_006579.3 (MANE Select); coding-DNA position 261, C replaced by G.
Protein change: p.Tyr87Ter; replaces tyrosine 87 with a stop codon.
Molecular consequence: nonsense.
Genome position (GRCh38, 1-based): chrX:48,524,032, C>G. VCF-style: chrX-48524032-C-G. GRCh37 (hg19) VCF-style: chrX-48382420-C-G.
Other names: short protein forms Y87*.
Identifiers: ClinVar variation 803990 (VCV000803990.4), dbSNP rs145509273, ClinGen allele CA412851789.